The following is an entry in ClinVar:

ClinVar aggregate classification (germline): Pathogenic/Likely pathogenic. Review status: criteria provided, multiple submitters, no conflicts (2 of 4 stars). 2 submissions from 2 submitters: Pathogenic (1); Likely pathogenic (1). Last evaluated 2025-12-09.

Conditions:
Usher syndrome type 1 (USH1). Also called: RETINITIS PIGMENTOSA AND CONGENITAL DEAFNESS. Identifiers: Orphanet 231169, Orphanet 886, MedGen C1568247, MONDO:0010168, OMIM 276900.

Allele frequency attached by ClinVar (database versions not stated): gnomAD exomes below 0.00001.

Submissions (2):

Natera, Inc.
Classification: Likely pathogenic for Usher syndrome type 1. Last evaluated: 2025-12-09. Review status: criteria provided, single submitter. Criteria: Natera Variant Classification Schema (03/2026). Collection method: clinical testing. Allele origin: germline.
Comment: The c.1179del variant in CDH23 is a frameshift variant predicted to shift the reading frame beginning at codon 393 and leads to a stop codon 54 codons downstream. This variant is expected to result in nonsense mediated decay, truncation, or a dysfunctional protein product. This variant is rare in the general population with a frequency below the threshold expected for the associated phenotype(s). Given the available evidence, this variant is classified as Likely Pathogenic.

Labcorp Genetics (formerly Invitae), Labcorp
Classification: Pathogenic. Last evaluated: 2023-01-07. Review status: criteria provided, single submitter. Criteria: Invitae Variant Classification Sherloc (09022015). Collection method: clinical testing. Allele origin: germline.
Comment: For these reasons, this variant has been classified as Pathogenic. This variant has not been reported in the literature in individuals affected with CDH23-related conditions. This variant is not present in population databases (gnomAD no frequency). This sequence change creates a premature translational stop signal (p.Asn393Lysfs*54) in the CDH23 gene. It is expected to result in an absent or disrupted protein product. Loss-of-function variants in CDH23 are known to be pathogenic (PMID: 11138009, 21940737).

Literature cited by the submitters: PubMed 11138009 (cited by Labcorp Genetics (formerly Invitae), Labcorp); PubMed 21940737 (cited by Labcorp Genetics (formerly Invitae), Labcorp).

NM_022124.6(CDH23):c.1179del (p.Asn393fs)

Gene: CDH23 (cadherin related 23; plus strand). Cytogenetic location: 10q22.1.
Variant type: Deletion.
Coding change: c.1179del on transcript NM_022124.6 (MANE Select); coding-DNA position 1179, one base deleted (C; older notation c.1179delC).
Protein change: p.Asn393fs; shifts the reading frame from asparagine 393.
Molecular consequence: frameshift variant.
Genome position (GRCh38, 1-based): chr10:71,645,869, C deleted. VCF-style (leftmost placement, unchanged base first): chr10-71645868-AC-A. GRCh37 (hg19) VCF-style: chr10-73405625-AC-A.
Other names: c.1179del, p.Asn393fs (NM_001171930.2, NM_001171931.2, NM_052836.4); c.1179del (NM_022124.5); short protein forms N393fs.
Identifiers: ClinVar variation 2980941 (VCV002980941.4), dbSNP rs2539011957, ClinGen allele CA2609565614.